The following is an entry in ClinVar:

NM_017671.5(FERMT1):c.532+8T>C

Gene: FERMT1 (FERM domain containing kindlin 1; minus strand). Cytogenetic location: 20p12.3.
Variant type: single nucleotide variant.
Coding change: c.532+8T>C on transcript NM_017671.5 (MANE Select); 8 bases into the intron after coding-DNA position 532, T replaced by C.
Molecular consequence: intron variant.
Genome position (GRCh38, 1-based): chr20:6,112,469, A>G on the plus strand (T>C on the coding strand, the complement: FERMT1 is on the minus strand). VCF-style: chr20-6112469-A-G. GRCh37 (hg19) VCF-style: chr20-6093116-A-G.
Other names: p.?.
Identifiers: ClinVar variation 339229 (VCV000339229.19), dbSNP rs41308641, ClinGen allele CA9758448.

ClinVar aggregate classification (germline): Benign. Review status: criteria provided, multiple submitters, no conflicts (2 of 4 stars). 6 submissions from 6 submitters: Benign (6). Last evaluated 2026-02-04.

Conditions:
Kindler syndrome (KNDLRS). Also called: BULLOUS ACROKERATOTIC POIKILODERMA OF KINDLER AND WEARY; POIKILODERMA, CONGENITAL, WITH BULLAE, WEARY TYPE; POIKILODERMA, HEREDITARY ACROKERATOTIC; Hereditary acrokeratotic poikiloderma of Weary; Poikiloderma of Kindler; Congenital bullous poikiloderma. Identifiers: Orphanet 2908, Orphanet 306539, MedGen C0406557, MONDO:0008260, OMIM 173650.

Allele frequency attached by ClinVar (database versions not stated): 1000 Genomes Project 0.06210; 1000 Genomes Project 30x 0.06465; gnomAD 0.08870 and 0.08888; TOPMed 0.09013; gnomAD exomes 0.09548 and 0.11590; ExAC 0.09560; ESP Exome Variant Server 0.09580.

Submissions (6):

Labcorp Genetics (formerly Invitae), Labcorp
Classification: Benign. Last evaluated: 2026-02-04. Review status: criteria provided, single submitter. Criteria: Invitae Variant Classification Sherloc (09022015). Collection method: clinical testing. Allele origin: germline.

Unidad de Genómica Garrahan, Hospital de Pediatría Garrahan
Classification: Benign. Last evaluated: 2024-01-24. Review status: criteria provided, single submitter. Criteria: ACMG Guidelines, 2015. Collection method: clinical testing. Allele origin: germline. Affected: no. Observed: 19 variant alleles.
Comment: This variant is classified as Benign based on local population frequency. This variant was detected in 20% of patients studied by a panel of primary immunodeficiencies. Number of patients: 19. Only high quality variants are reported.

Mayo Clinic Laboratories, Mayo Clinic
Classification: Benign. Last evaluated: 2022-09-06. Review status: criteria provided, single submitter. Criteria: ACMG Guidelines, 2015. Collection method: clinical testing. Allele origin: germline. Observed: 33 variant alleles.

GeneDx
Classification: Benign. Last evaluated: 2018-11-11. Review status: criteria provided, single submitter. Criteria: GeneDx Variant Classification Process June 2021. Collection method: clinical testing. Allele origin: germline. Affected: yes.

Illumina Laboratory Services, Illumina
Classification: Benign for Kindler syndrome. Last evaluated: 2018-01-13. Review status: criteria provided, single submitter. Criteria: ICSL Variant Classification Criteria 13 December 2019. Collection method: clinical testing. Allele origin: germline.
Comment: This variant was observed in the ICSL laboratory as part of a predisposition screen in an ostensibly healthy population. It had not been previously curated by ICSL or reported in the Human Gene Mutation Database (HGMD: prior to June 1st, 2018), and was therefore a candidate for classification through an automated scoring system. Utilizing variant allele frequency, disease prevalence and penetrance estimates, and inheritance mode, an automated score was calculated to assess if this variant is too frequent to cause the disease. Based on the score and internal cut-off values, a variant classified as benign is not then subjected to further curation. The score for this variant resulted in a classification of benign for this disease.

Breakthrough Genomics
Classification: Benign. Review status: criteria provided, single submitter. Criteria: ACMG Guidelines, 2015. Collection method: not provided. Allele origin: germline. Inheritance: Autosomal recessive inheritance. Affected: yes.